The following is an entry in ClinVar:

ClinVar aggregate classification (germline): Uncertain significance (1 of 4 stars; one submission).

Conditions:
Angelman syndrome (AS). Also called: HAPPY PUPPET SYNDROME. Identifiers: Orphanet 72, MedGen C0162635, MONDO:0007113, OMIM 105830. Disease mechanism: loss of function. Inheritance: AS is caused by disruption of maternally imprinted UBE3A located within the 15q11.2-q13 Angelman syndrome/Prader-Willi syndrome (AS/PWS) region., imprinting disorder.

Allele frequency attached by ClinVar (database versions not stated): gnomAD exomes below 0.00001; TOPMed below 0.00001 and 0.00001; gnomAD 0.00001.
gnomAD v4.1: 2 of 1,613,610 alleles (0.00012%); highest among the groups gnomAD compares: Non-Finnish European, 0.00017%; no homozygotes.

Submission:

Labcorp Genetics (formerly Invitae), Labcorp
Classification: Uncertain significance for Angelman syndrome. Last evaluated: 2024-05-08. Review status: criteria provided, single submitter. Criteria: Invitae Variant Classification Sherloc (09022015). Collection method: clinical testing. Allele origin: germline.
Comment: This sequence change replaces proline, which is neutral and non-polar, with serine, which is neutral and polar, at codon 611 of the UBE3A protein (p.Pro611Ser). This variant is not present in population databases (gnomAD no frequency). This variant has not been reported in the literature in individuals affected with UBE3A-related conditions. Advanced modeling of protein sequence and biophysical properties (such as structural, functional, and spatial information, amino acid conservation, physicochemical variation, residue mobility, and thermodynamic stability) performed at Invitae indicates that this missense variant is expected to disrupt UBE3A protein function with a positive predictive value of 95%. In summary, the available evidence is currently insufficient to determine the role of this variant in disease. Therefore, it has been classified as a Variant of Uncertain Significance.

NM_130839.5(UBE3A):c.1891C>T (p.Pro631Ser)

Genes: SNHG14 (small nucleolar RNA host gene 14; plus strand), UBE3A (ubiquitin protein ligase E3A; minus strand). Cytogenetic location: 15q11.2.
Variant type: single nucleotide variant.
Coding change: c.1891C>T on transcript NM_130839.5 (MANE Select); coding-DNA position 1891, C replaced by T.
Protein change: p.Pro631Ser; replaces proline 631 with serine.
Molecular consequence: missense variant. On other transcripts: non-coding transcript variant (1).
Genome position (GRCh38, 1-based): chr15:25,356,759, G>A on the plus strand (C>T on the coding strand, the complement: UBE3A is on the minus strand). VCF-style: chr15-25356759-G-A. GRCh37 (hg19) VCF-style: chr15-25601906-G-A.
Other names: c.1900C>T, p.Pro634Ser (NM_000462.5); c.1891C>T, p.Pro631Ser (NM_001354505.1, NM_001354538.2, NM_001354545.2); c.1831C>T, p.Pro611Ser (NM_001354506.2, NM_001354507.2, NM_001354508.2 and 17 more transcripts); c.580C>T, p.Pro194Ser (NM_001354551.2); c.1714C>T, p.Pro572Ser (NM_001354546.2); c.640C>T, p.Pro214Ser (NM_001354550.2); short protein forms P194S, P214S, P572S, P611S, P631S, P634S.
Identifiers: ClinVar variation 3011403 (VCV003011403.3), dbSNP rs1310879709, ClinGen allele CA391352525.